The following is an entry in ClinVar:

ClinVar aggregate classification (germline): Likely benign (1 of 4 stars; one submission).

Conditions:
Familial cancer of breast. Also called: Hereditary breast cancer; BREAST CANCER, FAMILIAL; hereditary breast carcinoma. Identifiers: Orphanet 227535, MedGen C0346153, MONDO:0016419, OMIM 114480. Disease mechanism: loss of function.

Submission:

Myriad Genetics, Inc.
Classification: Likely benign for Familial cancer of breast. Last evaluated: 2024-10-01. Review status: criteria provided, single submitter. Criteria: Myriad Autosomal Dominant, Autosomal Recessive and X-Linked Classification Criteria (2023). Collection method: clinical testing. Allele origin: unknown.
Comment: This variant is considered likely benign. This variant is intronic and is not expected to impact mRNA splicing.

NM_007194.4(CHEK2):c.-6-10T>C

Gene: CHEK2 (checkpoint kinase 2; minus strand). Cytogenetic location: 22q12.1.
Variant type: single nucleotide variant.
Coding change: c.-6-10T>C on transcript NM_007194.4 (MANE Select); 10 bases into the intron before 6 bases upstream of the start codon, T replaced by C.
Molecular consequence: intron variant.
Genome position (GRCh38, 1-based): chr22:28,734,737, A>G on the plus strand (T>C on the coding strand, the complement: CHEK2 is on the minus strand). VCF-style: chr22-28734737-A-G. GRCh37 (hg19) VCF-style: chr22-29130725-A-G.
Other names: c.-345+7032T>C (NM_001437942.1); c.-6-10T>C (NM_001349956.3, NM_145862.3, NM_001438295.1 and 3 more transcripts); c.-783-10T>C (NM_001257387.3).
Identifiers: ClinVar variation 3773549 (VCV003773549.1).